The following is an entry in ClinVar:

NM_012463.4(ATP6V0A2):c.1576C>T (p.Arg526Ter)

Gene: ATP6V0A2 (ATPase H+ transporting V0 subunit a2; plus strand). Cytogenetic location: 12q24.31.
Variant type: single nucleotide variant.
Coding change: c.1576C>T on transcript NM_012463.4 (MANE Select); coding-DNA position 1576, C replaced by T.
Protein change: p.Arg526Ter; replaces arginine 526 with a stop codon.
Molecular consequence: nonsense.
Genome position (GRCh38, 1-based): chr12:123,744,943, C>T. VCF-style: chr12-123744943-C-T. GRCh37 (hg19) VCF-style: chr12-124229490-C-T.
Other names: short protein forms R526*.
Identifiers: ClinVar variation 4710054 (VCV004710054.1).

ClinVar aggregate classification (germline): Pathogenic. Review status: criteria provided, multiple submitters, no conflicts (2 of 4 stars). 2 submissions from 2 submitters: Pathogenic (2). Last evaluated 2025-08-22.

Conditions:
ALG9 congenital disorder of glycosylation (CDG1L). Also called: CDG Il; CONGENITAL DISORDER OF GLYCOSYLATION, TYPE Il; ALG9-CDG. Identifiers: Orphanet 79328, MedGen C2931006, MONDO:0012117, OMIM 608776.
Wrinkly skin syndrome (WSS). Also called: Type of Gerodermia osteodysplastica. Identifiers: Orphanet 2834, MedGen C0406587, MONDO:0010208, OMIM 278250.
Cutis laxa with osteodystrophy (ARCL2A). Also called: Debré-Type Cutis Laxa; Autosomal recessive cutis laxa type 2A; CUTIS LAXA WITH CONGENITAL DISORDER OF GLYCOSYLATION; CUTIS LAXA, AUTOSOMAL RECESSIVE, TYPE IIA; CUTIS LAXA WITH BONE DYSTROPHY; CUTIS LAXA WITH GROWTH AND DEVELOPMENTAL DELAY. Identifiers: Orphanet 357058, MedGen C0268355, MONDO:0018163, OMIM 219200. Disease mechanism: loss of function.

gnomAD v4.1: 5 of 1,614,076 alleles (0.00031%); highest among the groups gnomAD compares: African/African-American, 0.0027%; no homozygotes.

Submissions (2):

First Genomix Gene Laboratory, Genetic Diagnostics Department
Classification: Pathogenic for Cutis laxa with osteodystrophy; Wrinkly skin syndrome. Last evaluated: 2025-08-22. Review status: criteria provided, single submitter. Criteria: ACMG Guidelines, 2015. Collection method: clinical testing. Allele origin: germline. Inheritance: Autosomal recessive inheritance. Affected: no. Observed: 1 variant allele.

Labcorp Genetics (formerly Invitae), Labcorp
Classification: Pathogenic for ALG9 congenital disorder of glycosylation. Last evaluated: 2025-05-01. Review status: criteria provided, single submitter. Criteria: Invitae Variant Classification Sherloc (09022015). Collection method: clinical testing. Allele origin: germline.
Comment: This sequence change creates a premature translational stop signal (p.Arg526*) in the ATP6V0A2 gene. It is expected to result in an absent or disrupted protein product. Loss-of-function variants in ATP6V0A2 are known to be pathogenic (PMID: 18157129, 19321599). This variant is present in population databases (rs777574912, gnomAD 0.002%). This premature translational stop signal has been observed in individual(s) with congenital disorders of glycosylation (PMID: 23806237). For these reasons, this variant has been classified as Pathogenic.

Literature cited by the submitters: PubMed 18157129 (cited by Labcorp Genetics (formerly Invitae), Labcorp); PubMed 19321599 (cited by Labcorp Genetics (formerly Invitae), Labcorp); PubMed 23806237 (cited by Labcorp Genetics (formerly Invitae), Labcorp).